The following is an entry in ClinVar:

ClinVar aggregate classification (germline): Conflicting classifications of pathogenicity. Review status: criteria provided, conflicting classifications (1 of 4 stars). 4 submissions from 4 submitters: Uncertain significance (2); Likely benign (1). 1 of the submissions does not count toward it. Last evaluated 2025-02-07.

Conditions:
SEMA3E-related disorder. Also called: SEMA3E-related condition.
CHARGE syndrome (CHARGE). Also called: Hittner Hirsch Kreh syndrome; Coloboma, heart anomaly, choanal atresia, retardation, genital and ear anomalies; CHARGE association; Hall-Hittner syndrome; CHARGE ASSOCIATION--COLOBOMA, HEART ANOMALY, CHOANAL ATRESIA, RETARDATION, GENITAL AND EAR ANOMALIES. Identifiers: Orphanet 138, MedGen C0265354, MONDO:0008965.
Hypogonadotropic hypogonadism 7 with or without anosmia (HH7). Also called: HYPOGONADOTROPIC HYPOGONADISM 7 WITHOUT ANOSMIA; GNRHR-Related GnRH Deficiency. Identifiers: Orphanet 432, MedGen C0342384, MONDO:0007794, OMIM 146110.

Allele frequency attached by ClinVar (database versions not stated): gnomAD 0.00003 and 0.00004; TOPMed 0.00004; ExAC 0.00005; gnomAD exomes 0.00006 and 0.00008.

Submissions (4):

Labcorp Genetics (formerly Invitae), Labcorp
Classification: Uncertain significance for CHARGE syndrome. Last evaluated: 2025-02-07. Review status: criteria provided, single submitter. Criteria: Invitae Variant Classification Sherloc (09022015). Collection method: clinical testing. Allele origin: germline.
Comment: This sequence change replaces leucine, which is neutral and non-polar, with valine, which is neutral and non-polar, at codon 637 of the SEMA3E protein (p.Leu637Val). This variant is present in population databases (rs771976054, gnomAD 0.04%). This variant has not been reported in the literature in individuals affected with SEMA3E-related conditions. ClinVar contains an entry for this variant (Variation ID: 577680). Invitae Evidence Modeling of protein sequence and biophysical properties (such as structural, functional, and spatial information, amino acid conservation, physicochemical variation, residue mobility, and thermodynamic stability) indicates that this missense variant is not expected to disrupt SEMA3E protein function with a negative predictive value of 80%. In summary, the available evidence is currently insufficient to determine the role of this variant in disease. Therefore, it has been classified as a Variant of Uncertain Significance.

CeGaT Center for Human Genetics Tuebingen
Classification: Likely benign. Last evaluated: 2024-09-01. Review status: criteria provided, single submitter. Criteria: CeGaT Center For Human Genetics Tuebingen Variant Classification Criteria Version 2. Collection method: clinical testing. Allele origin: germline. Affected: yes. Observed: 1 variant allele.
Comment: SEMA3E: BP4

Fulgent Genetics
Classification: Uncertain significance for Hypogonadotropic hypogonadism 7 with or without anosmia; CHD7-related CHARGE syndrome. Last evaluated: 2022-03-09. Review status: criteria provided, single submitter. Criteria: ACMG Guidelines, 2015. Collection method: clinical testing. Allele origin: unknown.

PreventionGenetics, part of Exact Sciences
Classification: Uncertain significance for SEMA3E-related condition. Last evaluated: 2024-06-11. Review status: no assertion criteria provided. Collection method: clinical testing. Allele origin: germline. Not counted in ClinVar's aggregate classification.
Comment: The SEMA3E c.1909C>G variant is predicted to result in the amino acid substitution p.Leu637Val. To our knowledge, this variant has not been reported in the literature. This variant is reported in 0.040% of alleles in individuals of Latino descent in gnomAD, which may be too common to be an unreported disease causing variant. Although we suspect that this variant may be benign, at this time, the clinical significance of this variant is uncertain due to the absence of conclusive functional and genetic evidence.

NM_012431.3(SEMA3E):c.1909C>G (p.Leu637Val)

Gene: SEMA3E (semaphorin 3E; minus strand). Cytogenetic location: 7q21.11.
Variant type: single nucleotide variant.
Coding change: c.1909C>G on transcript NM_012431.3 (MANE Select); coding-DNA position 1909, C replaced by G.
Protein change: p.Leu637Val; replaces leucine 637 with valine.
Molecular consequence: missense variant.
Genome position (GRCh38, 1-based): chr7:83,368,005, G>C on the plus strand (C>G on the coding strand, the complement: SEMA3E is on the minus strand). VCF-style: chr7-83368005-G-C. GRCh37 (hg19) VCF-style: chr7-82997321-G-C.
Other names: c.1729C>G, p.Leu577Val (NM_001178129.2); short protein forms L637V, L577V.
Identifiers: ClinVar variation 577680 (VCV000577680.27), dbSNP rs771976054, ClinGen allele CA4321859.